The following is an entry in ClinVar:

NM_004569.5(PIGH):c.421T>C (p.Leu141=)

Genes: GPHN (gephyrin; plus strand), PIGH (phosphatidylinositol glycan anchor biosynthesis class H; minus strand). Cytogenetic location: 14q24.1.
Variant type: single nucleotide variant.
Coding change: c.421T>C on transcript NM_004569.5 (MANE Select); coding-DNA position 421, T replaced by C.
Protein change: p.Leu141=; no amino-acid change (leucine 141 retained).
Molecular consequence: synonymous variant.
Genome position (GRCh38, 1-based): chr14:67,592,688, A>G on the plus strand (T>C on the coding strand, the complement: PIGH is on the minus strand). VCF-style: chr14-67592688-A-G. GRCh37 (hg19) VCF-style: chr14-68059405-A-G.
Other names: c.418T>C, p.Leu140= (NM_001363694.2).
Identifiers: ClinVar variation 2644333 (VCV002644333.26), dbSNP rs190869461, ClinGen allele CA7237541.
Genomic context (GRCh38, chr14:67,592,688, plus strand): 5'-TGCTCACCTGGAAGACGGGTACTACTTGGGATATCCCATGTGGTTCCACTGGATCTTTCA[A>G]TAAGATGCAGAGGTAGTAAATCACCTTCTGCTGTAAGAAAATAAATCAAATAGCAAAGTC-3'
Protein context (NP_004560.1, residues 131-151): QKVIYYLCIL[Leu141=]KDPVEPHGIS

ClinVar aggregate classification (germline): Benign/Likely benign. Review status: criteria provided, multiple submitters, no conflicts (2 of 4 stars). 3 submissions from 3 submitters: Benign (1); Likely benign (1). 1 of the submissions does not count toward it. Last evaluated 2026-05-01.

Conditions:
PIGH-related disorder. Also called: PIGH-related condition.

Allele frequency attached by ClinVar (database versions not stated): 1000 Genomes Project 30x 0.00016; 1000 Genomes Project 0.00020; TOPMed 0.00036; gnomAD exomes 0.00039; gnomAD 0.00050; ExAC 0.00051.
gnomAD v4.1: 629 of 1,607,530 alleles (0.039%); highest among the groups gnomAD compares: Non-Finnish European, 0.04%; 2 homozygotes.

Submissions (3):

CeGaT Center for Human Genetics Tuebingen
Classification: Likely benign. Last evaluated: 2026-05-01. Review status: criteria provided, single submitter. Criteria: CeGaT Center For Human Genetics Tuebingen Variant Classification Criteria Version 2. Collection method: clinical testing. Allele origin: germline. Affected: yes. Observed: 6 variant alleles.
Comment: PIGH: BP4, BP7

Laboratory of Genetics, Children's Clinical University Hospital Latvia
Classification: Benign. Last evaluated: 2025-02-16. Review status: criteria provided, single submitter. Criteria: ACMG Guidelines, 2015. Collection method: clinical testing. Allele origin: germline. Affected: yes.

PreventionGenetics, part of Exact Sciences
Classification: Likely benign for PIGH-related condition. Last evaluated: 2019-11-12. Review status: no assertion criteria provided. Collection method: clinical testing. Allele origin: germline. Not counted in ClinVar's aggregate classification.
Comment: This variant is classified as likely benign based on ACMG/AMP sequence variant interpretation guidelines (Richards et al. 2015 PMID: 25741868, with internal and published modifications).